The following is an entry in ClinVar:

ClinVar aggregate classification (germline): Uncertain significance. Review status: criteria provided, multiple submitters, no conflicts (2 of 4 stars). 2 submissions from 2 submitters: Uncertain significance (2). Last evaluated 2025-07-21.

Conditions:
Inborn genetic diseases. Identifiers: MedGen C0950123, MeSH D030342.

Allele frequency attached by ClinVar (database versions not stated): gnomAD exomes below 0.00001; gnomAD 0.00001; TOPMed 0.00003.
gnomAD v4.1: 8 of 1,613,998 alleles (0.0005%); highest among the groups gnomAD compares: Middle Eastern, 0.016%; no homozygotes.

Submissions (2):

Labcorp Genetics (formerly Invitae), Labcorp
Classification: Uncertain significance. Last evaluated: 2025-07-21. Review status: criteria provided, single submitter. Criteria: Invitae Variant Classification Sherloc (09022015). Collection method: clinical testing. Allele origin: germline.
Comment: This sequence change replaces glycine, which is neutral and non-polar, with serine, which is neutral and polar, at codon 172 of the NDUFB8 protein (p.Gly172Ser). This variant is not present in population databases (gnomAD no frequency). This variant has not been reported in the literature in individuals affected with NDUFB8-related conditions. ClinVar contains an entry for this variant (Variation ID: 2417490). An algorithm developed to predict the effect of missense changes on protein structure and function (PolyPhen-2) suggests that this variant is likely to be disruptive. In summary, the available evidence is currently insufficient to determine the role of this variant in disease. Therefore, it has been classified as a Variant of Uncertain Significance.

Ambry Genetics
Classification: Uncertain significance for Inborn genetic diseases. Last evaluated: 2025-06-30. Review status: criteria provided, single submitter. Criteria: Ambry Variant Classification Scheme 2023. Collection method: clinical testing. Allele origin: germline.

NM_005004.4(NDUFB8):c.514G>A (p.Gly172Ser)

Gene: NDUFB8 (NADH:ubiquinone oxidoreductase subunit B8; minus strand). Cytogenetic location: 10q24.31.
Variant type: single nucleotide variant.
Coding change: c.514G>A on transcript NM_005004.4 (MANE Select); coding-DNA position 514, G replaced by A.
Protein change: p.Gly172Ser; replaces glycine 172 with serine.
Molecular consequence: missense variant. On other transcripts: 3 prime UTR variant (1).
Genome position (GRCh38, 1-based): chr10:100,523,884, C>T on the plus strand (G>A on the coding strand, the complement: NDUFB8 is on the minus strand). VCF-style: chr10-100523884-C-T. GRCh37 (hg19) VCF-style: chr10-102283641-C-T.
Other names: c.*205G>A (NM_001284367.2); c.421G>A, p.Gly141Ser (NM_001284368.1); c.514G>A (NM_005004.2); short protein forms G141S, G172S.
Identifiers: ClinVar variation 2417490 (VCV002417490.7), dbSNP rs1057136071, ClinGen allele CA212930414.